The following is an entry in ClinVar:

NM_001257281.2(DIS3L2):c.1780G>C (p.Val594Leu)

Gene: DIS3L2 (DIS3 like 3'-5' exoribonuclease 2; plus strand). Cytogenetic location: 2q37.1.
Variant type: single nucleotide variant.
Coding change: c.1780G>C on transcript NM_001257281.2; coding-DNA position 1780, G replaced by C.
Protein change: p.Val594Leu; replaces valine 594 with leucine.
Molecular consequence: missense variant.
Genome position (GRCh38, 1-based): chr2:232,343,543, G>C. VCF-style: chr2-232343543-G-C. GRCh37 (hg19) VCF-style: chr2-233208253-G-C.
Other names: short protein forms V594L.
Identifiers: ClinVar variation 1692606 (VCV001692606.1), dbSNP rs1048505602, ClinGen allele CA350979723.

ClinVar aggregate classification (germline): Uncertain significance (1 of 4 stars; one submission).

Conditions:
Perlman syndrome (PRLMNS). Identifiers: Orphanet 2849, MedGen C0796113, MONDO:0009965, OMIM 267000.

Submission:

Sema4
Classification: Uncertain significance for Perlman syndrome. Last evaluated: 2021-09-25. Review status: criteria provided, single submitter. Criteria: Sema4 Curation Guidelines. Collection method: curation. Allele origin: germline.
Comment: The DIS3L2 c.1780G>C (p.V594L) variant has not been reported in the literature to our knowledge. This variant is not reported in the population database Genome Aggregation Database (PMID: 32461654) nor in ClinVar. In silico tools suggest the impact of the variant on protein function is benign, though these predictions have not been confirmed by functional studies. The evidence is insufficient to meet ACMG/AMP criteria for classifying the variant as benign or pathogenic. Thus, the clinical significance of this variant is currently uncertain.